The following is an entry in ClinVar:

NM_004612.4(TGFBR1):c.*5A>G

Gene: TGFBR1 (transforming growth factor beta receptor 1; plus strand). Cytogenetic location: 9q22.33.
Variant type: single nucleotide variant.
Coding change: c.*5A>G on transcript NM_004612.4 (MANE Select); 5 bases downstream of the stop codon, A replaced by G.
Molecular consequence: 3 prime UTR variant.
Genome position (GRCh38, 1-based): chr9:99,149,310, A>G. VCF-style: chr9-99149310-A-G. GRCh37 (hg19) VCF-style: chr9-101911592-A-G.
Other names: c.*5A>G (NM_001130916.3, NM_001306210.2).
Identifiers: ClinVar variation 1171080 (VCV001171080.4), dbSNP rs201254457, ClinGen allele CA196895820.

ClinVar aggregate classification (germline): Uncertain significance (1 of 4 stars; one submission).

Conditions:
Familial thoracic aortic aneurysm and aortic dissection (TAAD). Also called: Thoracic aortic aneurysms and dissections. Identifiers: Orphanet 91387, MedGen C4707243, MONDO:0019625.

Allele frequency attached by ClinVar (database versions not stated): TOPMed below 0.00001; gnomAD exomes 0.00001.
gnomAD v4.1: 16 of 1,613,752 alleles (0.00099%); highest among the groups gnomAD compares: South Asian, 0.0077%; no homozygotes.

Submission:

Color Diagnostics, LLC DBA Color Health
Classification: Uncertain significance for Familial thoracic aortic aneurysm and aortic dissection. Last evaluated: 2024-12-10. Review status: criteria provided, single submitter. Criteria: ACMG Guidelines, 2015. Collection method: clinical testing. Allele origin: germline.
Comment: This variant is located in the 3' untranslated region of the TGFBR1 gene. To our knowledge, functional studies have not been reported for this variant. This variant has not been reported in individuals affected with TGFBR1-related disorders in the literature. This variant has been identified in 2/251102 chromosomes in the general population by the Genome Aggregation Database (gnomAD). The available evidence is insufficient to determine the role of this variant in disease conclusively. Therefore, this variant is classified as a Variant of Uncertain Significance.